The following is an entry in ClinVar:

ClinVar aggregate classification (germline): Uncertain significance (1 of 4 stars; one submission).

Conditions:
Osteogenesis imperfecta type I (OI1). Also called: Lobstein's Disease; Classic Non-deforming Osteogenesis Imperfecta with Blue Sclerae; Lobstein disease; OI, TYPE I; OSTEOGENESIS IMPERFECTA TARDA; OSTEOGENESIS IMPERFECTA WITH BLUE SCLERAE. Identifiers: Orphanet 216796, Orphanet 666, MedGen C0023931, MONDO:0008146, OMIM 166200. Disease mechanism: loss of function.

Allele frequency attached by ClinVar (database versions not stated): ExAC 0.00001; gnomAD 0.00001; gnomAD exomes 0.00001; TOPMed 0.00001; 1000 Genomes Project 30x 0.00016; 1000 Genomes Project 0.00020.

Submission:

Labcorp Genetics (formerly Invitae), Labcorp
Classification: Uncertain significance for Osteogenesis imperfecta type I. Last evaluated: 2024-08-04. Review status: criteria provided, single submitter. Criteria: Invitae Variant Classification Sherloc (09022015). Collection method: clinical testing. Allele origin: germline.
Comment: This sequence change replaces methionine, which is neutral and non-polar, with valine, which is neutral and non-polar, at codon 1330 of the COL1A1 protein (p.Met1330Val). This variant is not present in population databases (gnomAD no frequency). This variant has not been reported in the literature in individuals affected with COL1A1-related conditions. Advanced modeling of protein sequence and biophysical properties (such as structural, functional, and spatial information, amino acid conservation, physicochemical variation, residue mobility, and thermodynamic stability) has been performed at Invitae for this missense variant, however the output from this modeling did not meet the statistical confidence thresholds required to predict the impact of this variant on COL1A1 protein function. In summary, the available evidence is currently insufficient to determine the role of this variant in disease. Therefore, it has been classified as a Variant of Uncertain Significance.

NM_000088.4(COL1A1):c.3988A>G (p.Met1330Val)

Gene: COL1A1 (collagen type I alpha 1 chain; minus strand). Cytogenetic location: 17q21.33.
Variant type: single nucleotide variant.
Coding change: c.3988A>G on transcript NM_000088.4 (MANE Select); coding-DNA position 3988, A replaced by G.
Protein change: p.Met1330Val; replaces methionine 1330 with valine.
Molecular consequence: missense variant.
Genome position (GRCh38, 1-based): chr17:50,186,334, T>C on the plus strand (A>G on the coding strand, the complement: COL1A1 is on the minus strand). VCF-style: chr17-50186334-T-C. GRCh37 (hg19) VCF-style: chr17-48263695-T-C.
Other names: short protein forms M1330V.
Identifiers: ClinVar variation 2722240 (VCV002722240.3), dbSNP rs201070506, ClinGen allele CA8644302.